The following is an entry in ClinVar:

NM_000075.4(CDK4):c.195T>C (p.Ala65=)

Genes: CDK4 (cyclin dependent kinase 4; minus strand), LOC130008148 (ATAC-STARR-seq lymphoblastoid silent region 4588; plus strand). Cytogenetic location: 12q14.1.
Variant type: single nucleotide variant.
Coding change: c.195T>C on transcript NM_000075.4 (MANE Select); coding-DNA position 195, T replaced by C.
Protein change: p.Ala65=; no amino-acid change (alanine 65 retained).
Molecular consequence: synonymous variant.
Genome position (GRCh38, 1-based): chr12:57,751,523, A>G on the plus strand (T>C on the coding strand, the complement: CDK4 is on the minus strand). VCF-style: chr12-57751523-A-G. GRCh37 (hg19) VCF-style: chr12-58145306-A-G.
Identifiers: ClinVar variation 793110 (VCV000793110.13), dbSNP rs770618992, ClinGen allele CA6657875.

ClinVar aggregate classification (germline): Benign/Likely benign. Review status: criteria provided, multiple submitters, no conflicts (2 of 4 stars). 3 submissions from 3 submitters: Benign (1); Likely benign (2). Last evaluated 2025-02-05.

Conditions:
Hereditary cancer-predisposing syndrome. Also called: Tumor predisposition; Hereditary neoplastic syndrome; Hereditary Cancer Syndrome; Neoplastic Syndromes, Hereditary. Identifiers: Orphanet 140162, MedGen C0027672, MeSH D009386, MONDO:0015356.
Melanoma, cutaneous malignant, susceptibility to, 3. Also called: Cutaneous malignant melanoma 3. Identifiers: Orphanet 618, MedGen C1836892, MONDO:0012183, OMIM 609048.
Familial melanoma. Also called: Hereditary melanoma; Hereditary cutaneous melanoma. Identifiers: Orphanet 618, MedGen C1512419, MONDO:0018961.

Allele frequency attached by ClinVar (database versions not stated): gnomAD exomes below 0.00001 and 0.00001; TOPMed below 0.00001; ExAC 0.00001; gnomAD 0.00001; 1000 Genomes Project 30x 0.00016.

Submissions (3):

Labcorp Genetics (formerly Invitae), Labcorp
Classification: Likely benign for Familial melanoma. Last evaluated: 2025-02-05. Review status: criteria provided, single submitter. Criteria: Invitae Variant Classification Sherloc (09022015). Collection method: clinical testing. Allele origin: germline.

Myriad Genetics, Inc.
Classification: Benign for Melanoma, cutaneous malignant, susceptibility to, 3. Last evaluated: 2024-09-24. Review status: criteria provided, single submitter. Criteria: Myriad Autosomal Dominant, Autosomal Recessive and X-Linked Classification Criteria (2023). Collection method: clinical testing. Allele origin: unknown.
Comment: This variant is considered benign. This variant is a silent/synonymous amino acid change and it is not expected to impact splicing.

Ambry Genetics
Classification: Likely benign for Hereditary cancer-predisposing syndrome. Last evaluated: 2023-04-14. Review status: criteria provided, single submitter. Criteria: Ambry Variant Classification Scheme 2023. Collection method: clinical testing. Allele origin: germline.